The following is an entry in ClinVar:

NM_003638.3(ITGA8):c.1911T>G (p.Ile637Met)

Gene: ITGA8 (integrin subunit alpha 8; minus strand). Cytogenetic location: 10p13.
Variant type: single nucleotide variant.
Coding change: c.1911T>G on transcript NM_003638.3 (MANE Select); coding-DNA position 1911, T replaced by G.
Protein change: p.Ile637Met; replaces isoleucine 637 with methionine.
Molecular consequence: missense variant.
Genome position (GRCh38, 1-based): chr10:15,605,783, A>C on the plus strand (T>G on the coding strand, the complement: ITGA8 is on the minus strand). VCF-style: chr10-15605783-A-C. GRCh37 (hg19) VCF-style: chr10-15647782-A-C.
Other names: c.1866T>G, p.Ile622Met (NM_001291494.2); c.1911T>G (NM_003638.1); short protein forms I637M, I622M.
Identifiers: ClinVar variation 2176598 (VCV002176598.5), dbSNP rs955027652, ClinGen allele CA203491739.
Genomic context (GRCh38, chr10:15,605,783, plus strand): 5'-CGGTCTAGCCGACAGCTTCAAGTCAGGAACACACAGATTGTCTTCTCCACAGTCCACCAG[A>C]ATGTGAGCCTGTGTTGTATAAACGCACGTCAGGAACAATCTAGGAAAATCTGATTCACAT-3'
Protein context (NP_003629.2, residues 627-647): RENIVSEQAH[Ile637Met]LVDCGEDNLC

ClinVar aggregate classification (germline): Uncertain significance. Review status: criteria provided, multiple submitters, no conflicts (2 of 4 stars). 2 submissions from 2 submitters: Uncertain significance (2). Last evaluated 2025-06-12.

Conditions:
Inborn genetic diseases. Identifiers: MedGen C0950123, MeSH D030342.

Allele frequency attached by ClinVar (database versions not stated): gnomAD exomes below 0.00001; gnomAD 0.00003; TOPMed 0.00009.
gnomAD v4.1: 8 of 1,613,284 alleles (0.0005%); highest among the groups gnomAD compares: African/African-American, 0.0093%; no homozygotes.

Submissions (2):

Labcorp Genetics (formerly Invitae), Labcorp
Classification: Uncertain significance. Last evaluated: 2025-06-12. Review status: criteria provided, single submitter. Criteria: Invitae Variant Classification Sherloc (09022015). Collection method: clinical testing. Allele origin: germline.
Comment: This sequence change replaces isoleucine, which is neutral and non-polar, with methionine, which is neutral and non-polar, at codon 637 of the ITGA8 protein (p.Ile637Met). This variant is present in population databases (no rsID available, gnomAD 0.003%). This variant has not been reported in the literature in individuals affected with ITGA8-related conditions. ClinVar contains an entry for this variant (Variation ID: 2176598). Invitae Evidence Modeling of protein sequence and biophysical properties (such as structural, functional, and spatial information, amino acid conservation, physicochemical variation, residue mobility, and thermodynamic stability) has been performed for this missense variant. However, the output from this modeling did not meet the statistical confidence thresholds required to predict the impact of this variant on ITGA8 protein function. In summary, the available evidence is currently insufficient to determine the role of this variant in disease. Therefore, it has been classified as a Variant of Uncertain Significance.

Ambry Genetics
Classification: Uncertain significance for Inborn genetic diseases. Last evaluated: 2023-10-20. Review status: criteria provided, single submitter. Criteria: Ambry Variant Classification Scheme 2023. Collection method: clinical testing. Allele origin: germline.